The following is an entry in ClinVar:

NM_000548.5(TSC2):c.3388T>G (p.Ser1130Ala)

Gene: TSC2 (TSC complex subunit 2; plus strand). Cytogenetic location: 16p13.3.
Variant type: single nucleotide variant.
Coding change: c.3388T>G on transcript NM_000548.5 (MANE Select); coding-DNA position 3388, T replaced by G.
Protein change: p.Ser1130Ala; replaces serine 1130 with alanine.
Molecular consequence: missense variant.
Genome position (GRCh38, 1-based): chr16:2,079,660, T>G. VCF-style: chr16-2079660-T-G. GRCh37 (hg19) VCF-style: chr16-2129661-T-G.
Other names: c.3256T>G, p.Ser1086Ala (NM_001077183.3, NM_001370404.1); c.3388T>G, p.Ser1130Ala (NM_001114382.3); c.3148T>G, p.Ser1050Ala (NM_001318827.2); c.3112T>G, p.Ser1038Ala (NM_001318829.2); c.2656T>G, p.Ser886Ala (NM_001318831.2); c.3289T>G, p.Ser1097Ala (NM_001318832.2); c.3259T>G, p.Ser1087Ala (NM_001363528.2, NM_001370405.1, NM_021055.3); short protein forms S1086A, S1087A, S1097A, S1038A, S1050A, S1130A, S886A.
Identifiers: ClinVar variation 641149 (VCV000641149.11), dbSNP rs770048768, ClinGen allele CA046451.

ClinVar aggregate classification (germline): Conflicting classifications of pathogenicity. Review status: criteria provided, conflicting classifications (1 of 4 stars). 2 submissions from 2 submitters: Uncertain significance (1); Benign (1). Last evaluated 2024-03-15.

Conditions:
Tuberous sclerosis 2 (TSC2). Identifiers: Orphanet 805, MedGen C1860707, MONDO:0013199, OMIM 613254.
Hereditary cancer-predisposing syndrome. Also called: Neoplastic Syndromes, Hereditary; Hereditary Cancer Syndrome; Hereditary neoplastic syndrome; Tumor predisposition. Identifiers: Orphanet 140162, MedGen C0027672, MeSH D009386, MONDO:0015356.

Allele frequency attached by ClinVar (database versions not stated): ExAC 0.00002; gnomAD exomes below 0.00001; TOPMed below 0.00001; gnomAD 0.00001.
gnomAD v4.1: 2 of 1,594,268 alleles (0.00013%); highest among the groups gnomAD compares: African/African-American, 0.0027%; no homozygotes.

Submissions (2):

Labcorp Genetics (formerly Invitae), Labcorp
Classification: Benign for Tuberous sclerosis 2. Last evaluated: 2024-03-15. Review status: criteria provided, single submitter. Criteria: Invitae Variant Classification Sherloc (09022015). Collection method: clinical testing. Allele origin: germline.

Ambry Genetics
Classification: Uncertain significance for Hereditary cancer-predisposing syndrome. Last evaluated: 2024-02-22. Review status: criteria provided, single submitter. Criteria: Ambry Variant Classification Scheme 2023. Collection method: clinical testing. Allele origin: germline.
Comment: The p.S1130A variant (also known as c.3388T>G), located in coding exon 28 of the TSC2 gene, results from a T to G substitution at nucleotide position 3388. The serine at codon 1130 is replaced by alanine, an amino acid with similar properties. This amino acid position is highly conserved in available vertebrate species. In addition, this alteration is predicted to be deleterious by in silico analysis. Since supporting evidence is limited at this time, the clinical significance of this alteration remains unclear.